The following is an entry in ClinVar:

NM_014176.4(UBE2T):c.110-280_468+264del

Gene: UBE2T (ubiquitin conjugating enzyme E2 T; minus strand). Cytogenetic location: 1q32.1.
Variant type: Deletion.
Coding change: c.110-280_468+264del on transcript NM_014176.4 (MANE Select); 280 bases into the intron before coding-DNA position 110 through 264 bases into the intron after coding-DNA position 468, 2,593 bases deleted.
Molecular consequence: splice acceptor variant, splice donor variant.
Genome position (GRCh38, 1-based): chr1:202,332,746-202,335,338, 2,593 bases deleted. GRCh37 (hg19): chr1:202,301,874-202,304,466.
Other names: c.20-280_378+264del (NM_001310326.2).
Identifiers: ClinVar variation 929628 (VCV000929628.1), ClinGen allele CA1139656507.

ClinVar aggregate classification (germline): Pathogenic (0 of 4 stars; one submission).

Conditions:
Fanconi anemia complementation group T. Identifiers: Orphanet 84, MedGen C4084840, MONDO:0014638, OMIM 616435.

Submission:

Leiden Open Variation Database
Classification: Pathogenic for Fanconi anemia complementation group T. Last evaluated: 2019-12-04. Review status: no assertion criteria provided. Collection method: curation. Allele origin: germline. Affected: yes.
Comment: Curator: Arleen D. Auerbach. Submitter to LOVD: Francis Lach.

Literature cited by the submitters: PubMed 26119737.